The following is an entry in ClinVar:

NM_001322934.2(NFKB2):c.1701G>A (p.Ala567=)

Gene: NFKB2 (nuclear factor kappa B subunit 2; plus strand). Cytogenetic location: 10q24.32.
Variant type: single nucleotide variant.
Coding change: c.1701G>A on transcript NM_001322934.2 (MANE Select); coding-DNA position 1701, G replaced by A.
Protein change: p.Ala567=; no amino-acid change (alanine 567 retained).
Molecular consequence: synonymous variant.
Genome position (GRCh38, 1-based): chr10:102,400,394, G>A. VCF-style: chr10-102400394-G-A. GRCh37 (hg19) VCF-style: chr10-104160151-G-A.
Other names: c.1701G>A, p.Ala567= (NM_001077494.3, NM_001261403.3, NM_001288724.1 and 1 more transcripts); c.1575G>A, p.Ala525= (NM_001322935.1).
Identifiers: ClinVar variation 1145379 (VCV001145379.11), dbSNP rs772477531, ClinGen allele CA5664877.

ClinVar aggregate classification (germline): Likely benign. Review status: criteria provided, single submitter (1 of 4 stars). 2 submissions from 2 submitters: Likely benign (1). 1 of the submissions does not count toward it. Last evaluated 2026-01-08.

Conditions:
NFKB2-related disorder. Also called: NFKB2-related condition.
Immunodeficiency, common variable, 10. Also called: DEFICIT IN ANTERIOR PITUITARY FUNCTION AND VARIABLE IMMUNODEFICIENCY; IMMUNODEFICIENCY, COMMON VARIABLE, WITH CENTRAL ADRENAL INSUFFICIENCY. Identifiers: MedGen C3809991, MONDO:0014260, OMIM 615577.

Allele frequency attached by ClinVar (database versions not stated): gnomAD 0.00001; TOPMed 0.00002; ExAC 0.00005; gnomAD exomes 0.00007.

Submissions (2):

Labcorp Genetics (formerly Invitae), Labcorp
Classification: Likely benign for Immunodeficiency, common variable, 10. Last evaluated: 2026-01-08. Review status: criteria provided, single submitter. Criteria: Invitae Variant Classification Sherloc (09022015). Collection method: clinical testing. Allele origin: germline.

PreventionGenetics, part of Exact Sciences
Classification: Likely benign for NFKB2-related condition. Last evaluated: 2021-02-17. Review status: no assertion criteria provided. Collection method: clinical testing. Allele origin: germline. Not counted in ClinVar's aggregate classification.
Comment: This variant is classified as likely benign based on ACMG/AMP sequence variant interpretation guidelines (Richards et al. 2015 PMID: 25741868, with internal and published modifications).